The following is an entry in ClinVar:

NM_001148.6(ANK2):c.2851A>G (p.Thr951Ala)

Gene: ANK2 (ankyrin 2; plus strand). Cytogenetic location: 4q26.
Variant type: single nucleotide variant.
Coding change: c.2851A>G on transcript NM_001148.6 (MANE Select); coding-DNA position 2851, A replaced by G.
Protein change: p.Thr951Ala; replaces threonine 951 with alanine.
Molecular consequence: missense variant.
Genome position (GRCh38, 1-based): chr4:113,318,571, A>G. VCF-style: chr4-113318571-A-G. GRCh37 (hg19) VCF-style: chr4-114239727-A-G.
Other names: c.2689A>G, p.Thr897Ala (NM_001354257.2, NM_001354270.2, NM_001354253.2 and 1 more transcripts); c.2851A>G, p.Thr951Ala (NM_001354258.2, NM_001354228.2, NM_001354232.2 and 1 more transcripts); c.2665A>G, p.Thr889Ala (NM_001354260.2, NM_001354271.2, NM_001386151.1); c.2809A>G, p.Thr937Ala (NM_001354261.2, NM_001386147.1); c.2788A>G, p.Thr930Ala (NM_001354262.2, NM_001386143.1, NM_001354275.2 and 3 more transcripts); c.2764A>G, p.Thr922Ala (NM_001354264.2, NM_001354266.2, NM_001354267.2 and 7 more transcripts); c.2848A>G, p.Thr950Ala (NM_001354265.2, NM_001354235.2, NM_001354236.2 and 1 more transcripts); c.2752A>G, p.Thr918Ala (NM_001354268.2, NM_001354245.2); and 17 more; short protein forms T823A, T880A, T918A, T929A, T930A, T946A, T965A, T951A.
Identifiers: ClinVar variation 2891832 (VCV002891832.3), dbSNP rs1248713248, ClinGen allele CA357931708.

ClinVar aggregate classification (germline): Uncertain significance (1 of 4 stars; one submission).

Conditions:
Long QT syndrome (LQTS). Identifiers: MedGen C0023976, MeSH D008133, MONDO:0002442. Disease mechanism: loss of function. Inheritance: Various modes of inheritance.

Allele frequency attached by ClinVar (database versions not stated): gnomAD exomes below 0.00001.
gnomAD v4.1: 1 of 1,613,896 alleles (0.000062%); highest among the groups gnomAD compares: Non-Finnish European, 0.000085%; no homozygotes.

Submission:

Labcorp Genetics (formerly Invitae), Labcorp
Classification: Uncertain significance for Long QT syndrome. Last evaluated: 2022-12-08. Review status: criteria provided, single submitter. Criteria: Invitae Variant Classification Sherloc (09022015). Collection method: clinical testing. Allele origin: germline.
Comment: In summary, the available evidence is currently insufficient to determine the role of this variant in disease. Therefore, it has been classified as a Variant of Uncertain Significance. Algorithms developed to predict the effect of missense changes on protein structure and function (SIFT, PolyPhen-2, Align-GVGD) all suggest that this variant is likely to be tolerated. This variant has not been reported in the literature in individuals affected with ANK2-related conditions. This variant is present in population databases (no rsID available, gnomAD 0.0009%). This sequence change replaces threonine, which is neutral and polar, with alanine, which is neutral and non-polar, at codon 951 of the ANK2 protein (p.Thr951Ala).